The following is an entry in ClinVar:

NM_001142416.2(AIMP1):c.-34C>T

Genes: AIMP1 (aminoacyl tRNA synthetase complex interacting multifunctional protein 1; plus strand), TBCK (TBC1 domain containing kinase; minus strand), LOC129992924 (ATAC-STARR-seq lymphoblastoid active region 21787; plus strand). Cytogenetic location: 4q24.
Variant type: single nucleotide variant.
Coding change: c.-34C>T on transcript NM_001142416.2 (MANE Select); 34 bases upstream of the start codon, C replaced by T.
Molecular consequence: 5 prime UTR variant. On other transcripts: intron variant (2).
Genome position (GRCh38, 1-based): chr4:106,316,586, C>T. VCF-style: chr4-106316586-C-T. GRCh37 (hg19) VCF-style: chr4-107237743-C-T.
Other names: c.-68G>A (NM_001163436.4); c.-26+950C>T (NM_001142415.2); c.-26+242C>T (NM_004757.4).
Identifiers: ClinVar variation 3034702 (VCV003034702.2), dbSNP rs1471885758, ClinGen allele CA440700542.
Genomic context (GRCh38, chr4:106,316,586, plus strand): 5'-GTACGCGGGTGGCTGGACCTACATGCTTCCTGCTGTGGCTGTCTCGGAACCCGTGGTCCT[C>T]CGCTTCATGTGAGTGACGTCGTGGCGGGTCACTCACTCGGGGATCGCCGATTGCGATCGT-3'

ClinVar aggregate classification (germline): Likely benign (0 of 4 stars; one submission).

Conditions:
AIMP1-related disorder. Also called: AIMP1-related condition.

Allele frequency attached by ClinVar (database versions not stated): gnomAD exomes 0.00001; gnomAD 0.00003; TOPMed 0.00005.
gnomAD v4.1: 24 of 1,551,396 alleles (0.0015%); highest among the groups gnomAD compares: African/African-American, 0.0041%; no homozygotes.

Submission:

PreventionGenetics, part of Exact Sciences
Classification: Likely benign for AIMP1-related condition. Last evaluated: 2019-08-09. Review status: no assertion criteria provided. Collection method: clinical testing. Allele origin: germline.
Comment: This variant is classified as likely benign based on ACMG/AMP sequence variant interpretation guidelines (Richards et al. 2015 PMID: 25741868, with internal and published modifications).